The following is an entry in ClinVar:

NM_198994.3(TGM6):c.632G>A (p.Arg211His)

Gene: TGM6 (transglutaminase 6; plus strand). Cytogenetic location: 20p13.
Variant type: single nucleotide variant.
Coding change: c.632G>A on transcript NM_198994.3 (MANE Select); coding-DNA position 632, G replaced by A.
Protein change: p.Arg211His; replaces arginine 211 with histidine.
Molecular consequence: missense variant.
Genome position (GRCh38, 1-based): chr20:2,398,006, G>A. VCF-style: chr20-2398006-G-A. GRCh37 (hg19) VCF-style: chr20-2378652-G-A.
Other names: c.632G>A, p.Arg211His (NM_001254734.2); short protein forms R211H.
Identifiers: ClinVar variation 898387 (VCV000898387.11), dbSNP rs192045738, ClinGen allele CA9731742.

ClinVar aggregate classification (germline): Conflicting classifications of pathogenicity. Review status: criteria provided, conflicting classifications (1 of 4 stars). 4 submissions from 4 submitters: Uncertain significance (2); Likely benign (2). Last evaluated 2025-11-26.

Conditions:
Spinocerebellar ataxia type 35. Identifiers: Orphanet 276193, MedGen C3888031, MONDO:0013485, OMIM 613908.

Allele frequency attached by ClinVar (database versions not stated): TOPMed 0.00010; ExAC 0.00011; gnomAD 0.00014 and 0.00015; 1000 Genomes Project 30x 0.00016; 1000 Genomes Project 0.00020.

Submissions (4):

Labcorp Genetics (formerly Invitae), Labcorp
Classification: Uncertain significance. Last evaluated: 2025-11-26. Review status: criteria provided, single submitter. Criteria: Invitae Variant Classification Sherloc (09022015). Collection method: clinical testing. Allele origin: germline.
Comment: This sequence change replaces arginine, which is basic and polar, with histidine, which is basic and polar, at codon 211 of the TGM6 protein (p.Arg211His). This variant is present in population databases (rs192045738, gnomAD 0.06%), and has an allele count higher than expected for a pathogenic variant. This missense change has been observed in individual(s) with TGM6-related conditions (PMID: 28135719, 31785789, 33057194, 35588347). ClinVar contains an entry for this variant (Variation ID: 898387). Invitae Evidence Modeling of protein sequence and biophysical properties (such as structural, functional, and spatial information, amino acid conservation, physicochemical variation, residue mobility, and thermodynamic stability) indicates that this missense variant is not expected to disrupt TGM6 protein function with a negative predictive value of 80%. In summary, the available evidence is currently insufficient to determine the role of this variant in disease. Therefore, it has been classified as a Variant of Uncertain Significance.

Athena Diagnostics
Classification: Likely benign. Last evaluated: 2025-06-02. Review status: criteria provided, single submitter. Criteria: Athena Diagnostics Criteria. Collection method: clinical testing. Allele origin: unknown.
Comment: The frequency of this variant in the general population is higher than would generally be expected for pathogenic variants in this gene.

Blueprint Genetics
Classification: Likely benign. Last evaluated: 2024-11-01. Review status: criteria provided, single submitter. Criteria: ACMG Guidelines, 2015. Collection method: clinical testing. Allele origin: germline.

Illumina Laboratory Services, Illumina
Classification: Uncertain significance for Spinocerebellar ataxia type 35. Last evaluated: 2018-01-12. Review status: criteria provided, single submitter. Criteria: ICSL Variant Classification Criteria 13 December 2019. Collection method: clinical testing. Allele origin: germline.

Literature cited by the submitters: PubMed 28135719 (cited by Labcorp Genetics (formerly Invitae), Labcorp and Athena Diagnostics); PubMed 31785789 (cited by Labcorp Genetics (formerly Invitae), Labcorp and Athena Diagnostics); PubMed 33057194 (cited by Labcorp Genetics (formerly Invitae), Labcorp); PubMed 35588347 (cited by Labcorp Genetics (formerly Invitae), Labcorp and Athena Diagnostics); PubMed 27363847 (cited by Athena Diagnostics).